The following is an entry in ClinVar:

ClinVar aggregate classification (germline): Uncertain significance. Review status: criteria provided, multiple submitters, no conflicts (2 of 4 stars). 2 submissions from 2 submitters: Uncertain significance (2). Last evaluated 2024-09-20.

Allele frequency attached by ClinVar (database versions not stated): gnomAD exomes below 0.00001; TOPMed 0.00001.
gnomAD v4.1: 1 of 1,613,836 alleles (0.000062%); highest among the groups gnomAD compares: South Asian, 0.0011%; no homozygotes.

Submissions (2):

GeneDx
Classification: Uncertain significance. Last evaluated: 2024-09-20. Review status: criteria provided, single submitter. Criteria: GeneDx Variant Classification Process June 2021. Collection method: clinical testing. Allele origin: germline. Affected: yes.
Comment: Not observed at significant frequency in large population cohorts (gnomAD); In silico analysis supports that this missense variant has a deleterious effect on protein structure/function; Has not been previously published as pathogenic or benign to our knowledge

Labcorp Genetics (formerly Invitae), Labcorp
Classification: Uncertain significance. Last evaluated: 2024-04-14. Review status: criteria provided, single submitter. Criteria: Invitae Variant Classification Sherloc (09022015). Collection method: clinical testing. Allele origin: germline.
Comment: This sequence change replaces methionine, which is neutral and non-polar, with isoleucine, which is neutral and non-polar, at codon 817 of the OCA2 protein (p.Met817Ile). This variant is not present in population databases (gnomAD no frequency). This variant has not been reported in the literature in individuals affected with OCA2-related conditions. Advanced modeling of protein sequence and biophysical properties (such as structural, functional, and spatial information, amino acid conservation, physicochemical variation, residue mobility, and thermodynamic stability) performed at Invitae indicates that this missense variant is expected to disrupt OCA2 protein function with a positive predictive value of 80%. In summary, the available evidence is currently insufficient to determine the role of this variant in disease. Therefore, it has been classified as a Variant of Uncertain Significance.

NM_000275.3(OCA2):c.2451G>A (p.Met817Ile)

Gene: OCA2 (OCA2 melanosomal transmembrane protein; minus strand). Cytogenetic location: 15q12.
Variant type: single nucleotide variant.
Coding change: c.2451G>A on transcript NM_000275.3 (MANE Select); coding-DNA position 2451, G replaced by A.
Protein change: p.Met817Ile; replaces methionine 817 with isoleucine.
Molecular consequence: missense variant.
Genome position (GRCh38, 1-based): chr15:27,755,454, C>T on the plus strand (G>A on the coding strand, the complement: OCA2 is on the minus strand). VCF-style: chr15-27755454-C-T. GRCh37 (hg19) VCF-style: chr15-28000600-C-T.
Other names: c.2379G>A, p.Met793Ile (NM_001300984.2); c.2451G>A (NM_000275.2); short protein forms M793I, M817I.
Identifiers: ClinVar variation 2784488 (VCV002784488.3), dbSNP rs1267967087, ClinGen allele CA391470186.